The following is an entry in ClinVar:

NM_172107.4(KCNQ2):c.1864C>T (p.Arg622Trp)

Gene: KCNQ2 (potassium voltage-gated channel subfamily Q member 2; minus strand). Cytogenetic location: 20q13.33.
Variant type: single nucleotide variant.
Coding change: c.1864C>T on transcript NM_172107.4 (MANE Select); coding-DNA position 1864, C replaced by T.
Protein change: p.Arg622Trp; replaces arginine 622 with tryptophan.
Molecular consequence: missense variant.
Genome position (GRCh38, 1-based): chr20:63,408,436, G>A on the plus strand (C>T on the coding strand, the complement: KCNQ2 is on the minus strand). VCF-style: chr20-63408436-G-A. GRCh37 (hg19) VCF-style: chr20-62039789-G-A.
Other names: c.1780C>T, p.Arg594Trp (NM_004518.6); c.1810C>T, p.Arg604Trp (NM_172106.3); c.1771C>T, p.Arg591Trp (NM_172108.5); short protein forms R622W, R594W, R604W, R591W.
Identifiers: ClinVar variation 420848 (VCV000420848.12), dbSNP rs772405187, ClinGen allele CA9958233.
Genomic context (GRCh38, chr20:63,408,436, plus strand): 5'-CTCCAGCCCCGCACCCCTCCCGCCCAGCCTCTCGCACCTGCTTCTCCACCTTCCCGAGCC[G>A]TCCCATCATGCTGGGGTCCTCGGGCAGCTCCGCCTCGGCCGGGCCCTTGGTGCGGTCCTT-3'
Protein context (NP_742105.1, residues 612-632): ELPEDPSMMG[Arg622Trp]LGKVEKQVLS

ClinVar aggregate classification (germline): Uncertain significance. Review status: criteria provided, multiple submitters, no conflicts (2 of 4 stars). 2 submissions from 2 submitters: Uncertain significance (2). Last evaluated 2023-09-30.

Conditions:
Early-infantile DEE. Also called: Early infantile epileptic encephalopathy; Ohtahara syndrome; Early infantile epileptic encephalopathy with suppression bursts. Identifiers: Orphanet 1934, MedGen C0393706, MONDO:0800491.

Allele frequency attached by ClinVar (database versions not stated): ExAC 0.00001; gnomAD 0.00001; gnomAD exomes 0.00001.
gnomAD v4.1: 8 of 1,608,750 alleles (0.0005%); highest among the groups gnomAD compares: Non-Finnish European, 0.00068%; no homozygotes.

Submissions (2):

Labcorp Genetics (formerly Invitae), Labcorp
Classification: Uncertain significance for Early-infantile DEE. Last evaluated: 2023-09-30. Review status: criteria provided, single submitter. Criteria: Invitae Variant Classification Sherloc (09022015). Collection method: clinical testing. Allele origin: germline.
Comment: In summary, the available evidence is currently insufficient to determine the role of this variant in disease. Therefore, it has been classified as a Variant of Uncertain Significance. An algorithm developed to predict the effect of missense changes on protein structure and function (PolyPhen-2) suggests that this variant is likely to be disruptive. ClinVar contains an entry for this variant (Variation ID: 420848). This variant has not been reported in the literature in individuals affected with KCNQ2-related conditions. This variant is not present in population databases (gnomAD no frequency). This sequence change replaces arginine, which is basic and polar, with tryptophan, which is neutral and slightly polar, at codon 622 of the KCNQ2 protein (p.Arg622Trp).

GeneDx
Classification: Uncertain significance. Last evaluated: 2022-09-14. Review status: criteria provided, single submitter. Criteria: GeneDx Variant Classification Process June 2021. Collection method: clinical testing. Allele origin: germline. Affected: yes.
Comment: Not observed at significant frequency in large population cohorts (gnomAD); Missense variants in this gene are often considered pathogenic (HGMD); In silico analysis supports that this missense variant has a deleterious effect on protein structure/function; This substitution is predicted to be within the C-terminal cytoplasmic domain.; Has not been previously published as pathogenic or benign to our knowledge